The following is an entry in ClinVar:

NM_004260.4(RECQL4):c.471T>G (p.Asp157Glu)

Gene: RECQL4 (RecQ like helicase 4; minus strand). Cytogenetic location: 8q24.3.
Variant type: single nucleotide variant.
Coding change: c.471T>G on transcript NM_004260.4 (MANE Select); coding-DNA position 471, T replaced by G.
Protein change: p.Asp157Glu; replaces aspartic acid 157 with glutamic acid.
Molecular consequence: missense variant. On other transcripts: 5 prime UTR variant (15), non-coding transcript variant (3), intron variant (3).
Genome position (GRCh38, 1-based): chr8:144,516,648, A>C on the plus strand (T>G on the coding strand, the complement: RECQL4 is on the minus strand). VCF-style: chr8-144516648-A-C. GRCh37 (hg19) VCF-style: chr8-145742032-A-C.
Other names: c.471T>G, p.Asp157Glu (NM_001413017.1, NM_001413018.1, NM_001413019.1 and 4 more transcripts); c.-601T>G (NM_001413022.1, NM_001413023.1, NM_001413024.1 and 5 more transcripts); c.342T>G, p.Asp114Glu (NM_001413025.1); c.-663T>G (NM_001413027.1, NM_001413030.1, NM_001413031.1 and 2 more transcripts); c.355-235T>G (NM_001413029.1); c.-366-235T>G (NM_001413021.1); c.-367+41T>G (NM_001413028.1); c.-505T>G (NM_001413034.1); and 1 more; short protein forms D114E, D157E.
Identifiers: ClinVar variation 2823786 (VCV002823786.3), dbSNP rs1586826326, ClinGen allele CA372691346.

ClinVar aggregate classification (germline): Uncertain significance (1 of 4 stars; one submission).

Conditions:
Baller-Gerold syndrome (BGS). Also called: CRANIOSYNOSTOSIS WITH RADIAL DEFECTS. Identifiers: Orphanet 1225, MedGen C0265308, MONDO:0009039, OMIM 218600.

Allele frequency attached by ClinVar (database versions not stated): gnomAD exomes below 0.00001.
gnomAD v4.1: 1 of 1,605,100 alleles (0.000062%); highest among the groups gnomAD compares: Non-Finnish European, 0.000085%; no homozygotes.

Submission:

Labcorp Genetics (formerly Invitae), Labcorp
Classification: Uncertain significance for Baller-Gerold syndrome. Last evaluated: 2022-12-24. Review status: criteria provided, single submitter. Criteria: Invitae Variant Classification Sherloc (09022015). Collection method: clinical testing. Allele origin: germline.
Comment: This variant is not present in population databases (gnomAD no frequency). This sequence change replaces aspartic acid, which is acidic and polar, with glutamic acid, which is acidic and polar, at codon 157 of the RECQL4 protein (p.Asp157Glu). This variant has not been reported in the literature in individuals affected with RECQL4-related conditions. In summary, the available evidence is currently insufficient to determine the role of this variant in disease. Therefore, it has been classified as a Variant of Uncertain Significance. Algorithms developed to predict the effect of missense changes on protein structure and function output the following: SIFT: "Not Available"; PolyPhen-2: "Not Available"; Align-GVGD: "Not Available". The glutamic acid amino acid residue is found in multiple mammalian species, which suggests that this missense change does not adversely affect protein function.